The following is an entry in ClinVar:

ClinVar aggregate classification (germline): Uncertain significance (0 of 4 stars; one submission).

Conditions:
Carcinoma of colon (CRC). Also called: Colonic carcinoma; Colon carcinoma. Identifiers: MedGen C0699790, MONDO:0002032.

Submission:

Immunobiology Lab; University of Kashmir
Classification: Uncertain significance for Carcinoma of colon. Last evaluated: 2015-01-24. Review status: no assertion criteria provided. Collection method: case-control. Allele origin: somatic. Affected: yes. Study: Mutational Hotspot profiling of Tyrosine Kinase domain of VEGF receptors in Human colorectal tumors.
Comment: The variation(s) were confirmed by double pass sequencing of PCR products amplified from genomic DNA of colonic lesions fron colorectal patients

NM_182925.5(FLT4):c.2496C>G (p.Ser832=)

Genes: FLT4 (fms related receptor tyrosine kinase 4; minus strand), LOC126807632 (CDK7 strongly-dependent group 2 enhancer GRCh37_chr5:180046831-180048030; plus strand). Cytogenetic location: 5q35.3.
Variant type: single nucleotide variant.
Coding change: c.2496C>G on transcript NM_182925.5 (MANE Select); coding-DNA position 2496, C replaced by G.
Protein change: p.Ser832=; no amino-acid change (serine 832 retained).
Molecular consequence: synonymous variant.
Genome position (GRCh38, 1-based): chr5:180,620,219, G>C on the plus strand (C>G on the coding strand, the complement: FLT4 is on the minus strand). VCF-style: chr5-180620219-G-C. GRCh37 (hg19) VCF-style: chr5-180047219-G-C.
Other names: KM484815; c.2496C>G, p.Ser832= (NM_001354989.2, NM_002020.5).
Identifiers: ClinVar variation 204346 (VCV000204346.3), dbSNP rs796052103, ClinGen allele CA251282.